The following is an entry in ClinVar:

ClinVar aggregate classification (germline): Uncertain significance (1 of 4 stars; one submission).

Submission:

Labcorp Genetics (formerly Invitae), Labcorp
Classification: Uncertain significance. Last evaluated: 2024-06-03. Review status: criteria provided, single submitter. Criteria: Invitae Variant Classification Sherloc (09022015). Collection method: clinical testing. Allele origin: germline.
Comment: This sequence change replaces lysine, which is basic and polar, with methionine, which is neutral and non-polar, at codon 154 of the GCM2 protein (p.Lys154Met). This variant is not present in population databases (gnomAD no frequency). This variant has not been reported in the literature in individuals affected with GCM2-related conditions. ClinVar contains an entry for this variant (Variation ID: 2007625). Advanced modeling of protein sequence and biophysical properties (such as structural, functional, and spatial information, amino acid conservation, physicochemical variation, residue mobility, and thermodynamic stability) performed at Invitae indicates that this missense variant is expected to disrupt GCM2 protein function with a positive predictive value of 80%. In summary, the available evidence is currently insufficient to determine the role of this variant in disease. Therefore, it has been classified as a Variant of Uncertain Significance.

NM_004752.4(GCM2):c.461A>T (p.Lys154Met)

Gene: GCM2 (glial cells missing transcription factor 2; minus strand). Cytogenetic location: 6p24.2.
Variant type: single nucleotide variant.
Coding change: c.461A>T on transcript NM_004752.4 (MANE Select); coding-DNA position 461, A replaced by T.
Protein change: p.Lys154Met; replaces lysine 154 with methionine.
Molecular consequence: missense variant.
Genome position (GRCh38, 1-based): chr6:10,876,012, T>A on the plus strand (A>T on the coding strand, the complement: GCM2 is on the minus strand). VCF-style: chr6-10876012-T-A. GRCh37 (hg19) VCF-style: chr6-10876245-T-A.
Other names: short protein forms K154M.
Identifiers: ClinVar variation 2007625 (VCV002007625.4), dbSNP rs1472956887, ClinGen allele CA362724230.